The following is an entry in ClinVar:

ClinVar aggregate classification (germline): Pathogenic. Review status: criteria provided, multiple submitters, no conflicts (2 of 4 stars). 20 submissions from 18 submitters: Pathogenic (15). 5 of the submissions do not count toward it. Last evaluated 2026-07-01.

Conditions:
Retinal dystrophy. Also called: Inherited retinal dystrophy. Identifiers: Orphanet 71862, MedGen C0854723, MeSH D058499, MONDO:0019118, HP:0000556.
Achromatopsia. Also called: Rod monochromatism. Identifiers: Orphanet 49382, MedGen C0152200, MONDO:0018852, HP:0011516.
Leber congenital amaurosis (LCA). Also called: Leber's amaurosis. Identifiers: Orphanet 65, MedGen C0339527, MeSH D057130, MONDO:0018998.
Achromatopsia 3 (ACHM3). Also called: TOTAL COLORBLINDNESS WITH MYOPIA; ROD MONOCHROMACY 1; ROD MONOCHROMATISM 1; ACHROMATOPSIA WITH MYOPIA; PINGELAPESE BLINDNESS. Identifiers: Orphanet 49382, MedGen C1849792, MONDO:0009875, OMIM 262300.
Nystagmus. Identifiers: MedGen C0028738, MONDO:0004843, HP:0000639.
Abnormal electroretinogram. Identifiers: MedGen C0476397, HP:0000512.
CNGB3-related disorder. Also called: CNGB3-related condition; CNGB3-related disorders. Identifiers: MedGen CN239340.

Submissions (20):

CeGaT Center for Human Genetics Tuebingen
Classification: Pathogenic. Last evaluated: 2026-07-01. Review status: criteria provided, single submitter. Criteria: CeGaT Center For Human Genetics Tuebingen Variant Classification Criteria Version 2. Collection method: clinical testing. Allele origin: germline. Affected: yes. Observed: 6 variant alleles.
Comment: CNGB3: PVS1, PM3:Strong, PM2

Labcorp Genetics (formerly Invitae), Labcorp
Classification: Pathogenic. Last evaluated: 2025-11-17. Review status: criteria provided, single submitter. Criteria: Invitae Variant Classification Sherloc (09022015). Collection method: clinical testing. Allele origin: germline.
Comment: This sequence change creates a premature translational stop signal (p.Arg274Valfs*13) in the CNGB3 gene. It is expected to result in an absent or disrupted protein product. Loss-of-function variants in CNGB3 are known to be pathogenic (PMID: 28795510). This variant is present in population databases (rs775796581, gnomAD 0.01%). This premature translational stop signal has been observed in individual(s) with achromatopsia or an inherited retinal dystrophy (PMID: 10888875, 20079539, 29769798). This variant is also known as Pro160 del8bp, c.819_826del8. ClinVar contains an entry for this variant (Variation ID: 374027). For these reasons, this variant has been classified as Pathogenic.

PreventionGenetics, part of Exact Sciences
Classification: Pathogenic for CNGB3-related condition. Last evaluated: 2025-11-09. Review status: criteria provided, single submitter. Criteria: ACMG Guidelines, 2015. Collection method: clinical testing. Allele origin: germline.
Comment: The CNGB3 c.819_826del8 variant is predicted to result in a frameshift and premature protein termination (p.Arg274Valfs*13). This variant has been reported in individuals with achromatopsia or inherited retinal disorders (see for examples: Thiadens et al. 2010. PubMed ID: 20079539; Table S2, Carss et al. 2016. PubMed ID: 28041643: Table S1, Lin et al. 2024. PubMed ID: 38219857). This variant is present in 0.012% of alleles in individuals of European (Non-Finnish) descent in gnomAD. Frameshift variants in CNGB3 are an established mechanism of disease. Given the evidence, we interpret this variant as pathogenic.

Natera, Inc.
Classification: Pathogenic for Achromatopsia. Last evaluated: 2025-10-21. Review status: criteria provided, single submitter. Criteria: Natera Variant Classification Schema (03/2026). Collection method: clinical testing. Allele origin: germline.
Comment: The c.819_826delCAGACTCC variant in CNGB3 is a frameshift variant predicted to shift the reading frame beginning at codon 274 and leads to a stop codon 13 codons downstream. This variant is expected to result in nonsense mediated decay, truncation, or a dysfunctional protein product. This variant is rare in the general population with a frequency below the threshold expected for the associated phenotype(s). This variant has been observed in one or more individuals affected with the associated recessive disease, as either homozygous or compound heterozygous with a second variant (PMID: 28795510). Given the available evidence, this variant is classified as Pathogenic.

Blueprint Genetics
Classification: Pathogenic for CNGB3-related disorders. Last evaluated: 2024-05-23. Review status: criteria provided, single submitter. Criteria: ACMG Guidelines, 2015. Collection method: clinical testing. Allele origin: germline. Affected: yes. Observed: 5 variant alleles.

Fulgent Genetics
Classification: Pathogenic for Achromatopsia 3. Last evaluated: 2024-02-07. Review status: criteria provided, single submitter. Criteria: ACMG Guidelines, 2015. Collection method: clinical testing. Allele origin: germline.

GeneDx
Classification: Pathogenic. Last evaluated: 2023-07-05. Review status: criteria provided, single submitter. Criteria: GeneDx Variant Classification Process June 2021. Collection method: clinical testing. Allele origin: germline. Affected: yes.
Comment: Frameshift variant predicted to result in protein truncation or nonsense mediated decay in a gene for which loss-of-function is a known mechanism of disease; This variant is associated with the following publications: (PMID: 25558176, 17652762, 15657609, 22975760, 20079539, 10888875, 28795510, 28041643, 15712225, 30418171, 32581362, 33807868, 34426522, 32531858, 34449556, 29769798)

Institute of Human Genetics, Univ. Regensburg, Univ. Regensburg
Classification: Pathogenic for Retinal dystrophy. Last evaluated: 2023-01-01. Review status: criteria provided, single submitter. Criteria: ACMG Guidelines, 2015. Collection method: clinical testing. Allele origin: germline. Affected: yes.

Laboratory of Medical Genetics, National & Kapodistrian University of Athens
Classification: Pathogenic for Achromatopsia 3. Last evaluated: 2022-09-23. Review status: criteria provided, single submitter. Criteria: ACMG Guidelines, 2015. Collection method: clinical testing. Allele origin: germline. Affected: yes.
Comment: PVS1, PM2, PP5

Department of Pathology and Laboratory Medicine, Sinai Health System
Classification: Pathogenic for Achromatopsia 3. Last evaluated: 2022-04-06. Review status: criteria provided, single submitter. Criteria: ACMG Guidelines, 2015. Collection method: research. Allele origin: germline.

Institute of Medical Genetics and Applied Genomics, University Hospital Tübingen
Classification: Pathogenic. Last evaluated: 2021-06-17. Review status: criteria provided, single submitter. Criteria: ACMG Guidelines, 2015. Collection method: clinical testing. Allele origin: germline. Inheritance: Autosomal recessive inheritance. Affected: yes.

Molecular Genetics Laboratory, Institute for Ophthalmic Research
Classification: Pathogenic for Achromatopsia. Last evaluated: 2018-03-20. Review status: criteria provided, single submitter. Criteria: ACMG Guidelines, 2015. Collection method: research. Allele origin: germline. Affected: yes.

Eurofins Ntd Llc (ga)
Classification: Pathogenic. Last evaluated: 2017-02-20. Review status: criteria provided, single submitter. Criteria: EGL Classification Definitions 2015. Collection method: clinical testing. Allele origin: germline. Observed: 1 variant allele, 1 heterozygote.

Centre for Mendelian Genomics, University Medical Centre Ljubljana
Classification: Pathogenic for Achromatopsia 3. Last evaluated: 2016-01-01. Review status: criteria provided, single submitter. Criteria: ACMG Guidelines, 2015. Collection method: clinical testing. Allele origin: unknown. Affected: yes.
Comment: This variant was classified as: Pathogenic.

Centre for Mendelian Genomics, University Medical Centre Ljubljana
Classification: Pathogenic for Abnormal electroretinogram; Nystagmus. Last evaluated: 2014-07-11. Review status: criteria provided, single submitter. Criteria: ACMG Guidelines, 2015. Collection method: clinical testing. Allele origin: unknown. Affected: yes.

Molecular Genetics Laboratory, Institute for Ophthalmic Research
Classification: Pathogenic for ACHM3. Last evaluated: 2017-03-27. Review status: no assertion criteria provided. Collection method: research. Allele origin: germline. Affected: yes. Not counted in ClinVar's aggregate classification.

Joint Genome Diagnostic Labs from Nijmegen and Maastricht, Radboudumc and MUMC+
Classification: Pathogenic for Leber congenital amaurosis. Last evaluated: 2016-09-01. Review status: no assertion criteria provided. Collection method: clinical testing. Allele origin: unknown. Affected: yes. Observed: 1 variant allele. Not counted in ClinVar's aggregate classification.

Counsyl
Classification: Pathogenic for Achromatopsia 3. Last evaluated: 2015-09-03. Review status: no assertion criteria provided. Collection method: clinical testing. Allele origin: unknown. Not counted in ClinVar's aggregate classification.

NIHR Bioresource Rare Diseases, University of Cambridge
Classification: Pathogenic for Leber congenital amaurosis. Last evaluated: 2015-01-01. Review status: no assertion criteria provided. Collection method: research. Allele origin: unknown. Affected: yes. Observed: 1 variant allele. Not counted in ClinVar's aggregate classification.

OMIM
Classification: Pathogenic for ACHROMATOPSIA 3. Last evaluated: 2000-07-01. Review status: no assertion criteria provided. Collection method: literature only. Allele origin: germline. Not counted in ClinVar's aggregate classification.

Literature cited by the submitters: PubMed 28795510 (cited by 3 submitters); PubMed 10888875 (cited by 5 submitters); PubMed 20079539 (cited by Labcorp Genetics (formerly Invitae), Labcorp and Institute of Human Genetics, Univ. Regensburg, Univ. Regensburg); PubMed 29769798 (cited by Labcorp Genetics (formerly Invitae), Labcorp and Institute of Human Genetics, Univ. Regensburg, Univ. Regensburg); PubMed 22975760 (cited by Institute of Human Genetics, Univ. Regensburg, Univ. Regensburg); PubMed 28041643 (cited by Institute of Human Genetics, Univ. Regensburg, Univ. Regensburg and NIHR Bioresource Rare Diseases, University of Cambridge); PubMed 30418171 (cited by Institute of Human Genetics, Univ. Regensburg, Univ. Regensburg); PubMed 31964843 (cited by Institute of Human Genetics, Univ. Regensburg, Univ. Regensburg); PubMed 32581362 (cited by Institute of Human Genetics, Univ. Regensburg, Univ. Regensburg); PubMed 32531858 (cited by Institute of Human Genetics, Univ. Regensburg, Univ. Regensburg); PubMed 33807868 (cited by Institute of Human Genetics, Univ. Regensburg, Univ. Regensburg); PubMed 34426522 (cited by Institute of Human Genetics, Univ. Regensburg, Univ. Regensburg); PubMed 34449556 (cited by Institute of Human Genetics, Univ. Regensburg, Univ. Regensburg); PubMed 25558176 (cited by Eurofins Ntd Llc (ga)); PubMed 15712225 (cited by Counsyl); PubMed 15657609 (cited by Counsyl); PubMed 17652762 (cited by Counsyl).

NM_019098.5(CNGB3):c.819_826del (p.Arg274fs)

Gene: CNGB3 (cyclic nucleotide gated channel subunit beta 3; minus strand). Cytogenetic location: 8q21.3.
Variant type: Deletion.
Coding change: c.819_826del on transcript NM_019098.5 (MANE Select); coding-DNA positions 819 to 826, 8 bases deleted (CAGACTCC; older notation c.819_826delCAGACTCC).
Protein change: p.Arg274fs; shifts the reading frame from arginine 274.
Molecular consequence: frameshift variant.
Genome position (GRCh38, 1-based): chr8:86,666,951-86,666,958, GGAGTCTG deleted on the plus strand (CAGACTCC on the coding strand, the reverse complement: CNGB3 is on the minus strand); deleting any 8 consecutive bases within chr8:86,666,951-86,666,960 gives the same sequence; the c. name uses the placement nearest the transcript's 3' end. VCF-style (leftmost placement, unchanged base first): chr8-86666950-TGGAGTCTG-T. GRCh37 (hg19) VCF-style: chr8-87679178-TGGAGTCTG-T.
Other names: c.819_826delCAGACTCC (NM_019098.4).
Identifiers: ClinVar variation 374027 (VCV000374027.69), dbSNP rs775796581, ClinGen allele CA4800270.
Genomic context (GRCh38, chr8:86,666,950, plus strand): 5'-CGTTTCAGTTTCTGCCTTTCCCGAACCCCACTTACTATTATGTCTCCTCCTCTTACAAAC[TGGAGTCTG>T]GGCTGGATAAATAGCATATCATAAAGGTAGATGATATCACATATGATGTCCGCAATAAGC-3'